The following is an entry in ClinVar:

NM_000264.5(PTCH1):c.283C>G (p.Gln95Glu)

Gene: PTCH1 (patched 1; minus strand). Cytogenetic location: 9q22.32.
Variant type: single nucleotide variant.
Coding change: c.283C>G on transcript NM_000264.5 (MANE Select); coding-DNA position 283, C replaced by G.
Protein change: p.Gln95Glu; replaces glutamine 95 with glutamic acid.
Molecular consequence: missense variant. On other transcripts: non-coding transcript variant (1), 5 prime UTR variant (4).
Genome position (GRCh38, 1-based): chr9:95,506,518, G>C on the plus strand (C>G on the coding strand, the complement: PTCH1 is on the minus strand). VCF-style: chr9-95506518-G-C. GRCh37 (hg19) VCF-style: chr9-98268800-G-C.
Other names: c.85C>G, p.Gln29Glu (NM_001354919.2, NM_001083602.3); c.283C>G (NM_000264.3); c.280C>G, p.Gln94Glu (NM_001083603.3); c.-171C>G (NM_001083604.3, NM_001083605.3, NM_001083606.3 and 1 more transcripts); c.283C>G, p.Gln95Glu (NM_001354918.2); short protein forms Q29E, Q94E, Q95E.
Identifiers: ClinVar variation 1010971 (VCV001010971.10), dbSNP rs1587693508, ClinGen allele CA374120363.

ClinVar aggregate classification (germline): Uncertain significance. Review status: criteria provided, multiple submitters, no conflicts (2 of 4 stars). 2 submissions from 2 submitters: Uncertain significance (2). Last evaluated 2024-07-23.

Conditions:
Hereditary cancer-predisposing syndrome. Also called: Tumor predisposition; Hereditary Cancer Syndrome; Neoplastic Syndromes, Hereditary; Hereditary neoplastic syndrome. Identifiers: Orphanet 140162, MedGen C0027672, MeSH D009386, MONDO:0015356.
Gorlin syndrome. Also called: Nevoid Basal Cell Carcinoma Syndrome; Basal cell nevus syndrome. Identifiers: Orphanet 377, MedGen C0004779, MONDO:0007187.

Allele frequency attached by ClinVar (database versions not stated): gnomAD 0.00001.
gnomAD v4.1: 1 of 1,613,646 alleles (0.000062%); highest among the groups gnomAD compares: African/African-American, 0.0013%; no homozygotes.

Submissions (2):

Labcorp Genetics (formerly Invitae), Labcorp
Classification: Uncertain significance for Gorlin syndrome. Last evaluated: 2024-07-23. Review status: criteria provided, single submitter. Criteria: Invitae Variant Classification Sherloc (09022015). Collection method: clinical testing. Allele origin: germline.
Comment: This sequence change replaces glutamine, which is neutral and polar, with glutamic acid, which is acidic and polar, at codon 95 of the PTCH1 protein (p.Gln95Glu). This variant is not present in population databases (gnomAD no frequency). This variant has not been reported in the literature in individuals affected with PTCH1-related conditions. ClinVar contains an entry for this variant (Variation ID: 1010971). Advanced modeling of protein sequence and biophysical properties (such as structural, functional, and spatial information, amino acid conservation, physicochemical variation, residue mobility, and thermodynamic stability) performed at Invitae indicates that this missense variant is not expected to disrupt PTCH1 protein function with a negative predictive value of 95%. In summary, the available evidence is currently insufficient to determine the role of this variant in disease. Therefore, it has been classified as a Variant of Uncertain Significance.

Ambry Genetics
Classification: Uncertain significance for Hereditary cancer-predisposing syndrome. Last evaluated: 2023-12-31. Review status: criteria provided, single submitter. Criteria: Ambry Variant Classification Scheme 2023. Collection method: clinical testing. Allele origin: germline.
Comment: The p.Q95E variant (also known as c.283C>G), located in coding exon 2 of the PTCH1 gene, results from a C to G substitution at nucleotide position 283. The glutamine at codon 95 is replaced by glutamic acid, an amino acid with highly similar properties. This amino acid position is conserved. In addition, this alteration is predicted to be deleterious by in silico analysis. Since supporting evidence is limited at this time, the clinical significance of this alteration remains unclear.